The following is an entry in ClinVar:

ClinVar aggregate classification (germline): Conflicting classifications of pathogenicity. Review status: criteria provided, conflicting classifications (1 of 4 stars). 2 submissions from 2 submitters: Uncertain significance (1); Benign (1). Last evaluated 2025-09-30.

Conditions:
Primary ciliary dyskinesia. Also called: Ciliary dyskinesia. Identifiers: Orphanet 244, MedGen C0008780, MONDO:0016575, HP:0012265.

Allele frequency attached by ClinVar (database versions not stated): ExAC 0.00001; gnomAD 0.00001; TOPMed 0.00001; 1000 Genomes Project 30x 0.00016; 1000 Genomes Project 0.00020.
gnomAD v4.1: 19 of 1,605,822 alleles (0.0012%); highest among the groups gnomAD compares: East Asian, 0.043%; no homozygotes.

Submissions (2):

Labcorp Genetics (formerly Invitae), Labcorp
Classification: Benign for Primary ciliary dyskinesia. Last evaluated: 2025-09-30. Review status: criteria provided, single submitter. Criteria: Invitae Variant Classification Sherloc (09022015). Collection method: clinical testing. Allele origin: germline.

Ambry Genetics
Classification: Uncertain significance for Primary ciliary dyskinesia. Last evaluated: 2022-08-10. Review status: criteria provided, single submitter. Criteria: Ambry Variant Classification Scheme 2023. Collection method: clinical testing. Allele origin: germline.
Comment: The p.M2960I variant (also known as c.8880G>A), located in coding exon 54 of the DNAH11 gene, results from a G to A substitution at nucleotide position 8880. The methionine at codon 2960 is replaced by isoleucine, an amino acid with highly similar properties. This amino acid position is conserved. In addition, this alteration is predicted to be tolerated by in silico analysis. Since supporting evidence is limited at this time, the clinical significance of this alteration remains unclear.

NM_001277115.2(DNAH11):c.8880G>A (p.Met2960Ile)

Gene: DNAH11 (dynein axonemal heavy chain 11; plus strand). Cytogenetic location: 7p15.3.
Variant type: single nucleotide variant.
Coding change: c.8880G>A on transcript NM_001277115.2 (MANE Select); coding-DNA position 8880, G replaced by A.
Protein change: p.Met2960Ile; replaces methionine 2960 with isoleucine.
Molecular consequence: missense variant.
Genome position (GRCh38, 1-based): chr7:21,750,304, G>A. VCF-style: chr7-21750304-G-A. GRCh37 (hg19) VCF-style: chr7-21789922-G-A.
Other names: c.8901G>A, p.Met2967Ile (NM_003777.3); short protein forms M2960I, M2967I.
Identifiers: ClinVar variation 1764971 (VCV001764971.5), dbSNP rs80267624, ClinGen allele CA4181768.